The following is an entry in ClinVar:

ClinVar aggregate classification (germline): Uncertain significance (1 of 4 stars; one submission).

gnomAD v4.1: 14 of 718,596 alleles (0.0019%); highest among the groups gnomAD compares: South Asian, 0.0059%; no homozygotes.

Submission:

CeGaT Center for Human Genetics Tuebingen
Classification: Uncertain significance. Last evaluated: 2026-08-01. Review status: criteria provided, single submitter. Criteria: CeGaT Center For Human Genetics Tuebingen Variant Classification Criteria Version 2. Collection method: clinical testing. Allele origin: germline. Affected: yes. Observed: 1 variant allele.
Comment: SHANK2: PM2, BP4

NM_012309.5(SHANK2):c.1786G>A (p.Ala596Thr)

Gene: SHANK2 (SH3 and multiple ankyrin repeat domains 2; minus strand). Cytogenetic location: 11q13.4.
Variant type: single nucleotide variant.
Coding change: c.1786G>A on transcript NM_012309.5 (MANE Select); coding-DNA position 1786, G replaced by A.
Protein change: p.Ala596Thr; replaces alanine 596 with threonine.
Molecular consequence: missense variant.
Genome position (GRCh38, 1-based): chr11:70,698,755, C>T on the plus strand (G>A on the coding strand, the complement: SHANK2 is on the minus strand). VCF-style: chr11-70698755-C-T. GRCh37 (hg19) VCF-style: chr11-70544860-C-T.
Other names: c.649G>A, p.Ala217Thr (NM_001379226.1, NM_001441040.1, NM_001441041.1); c.1957G>A, p.Ala653Thr (NM_001441024.1); c.1786G>A, p.Ala596Thr (NM_001441025.1, NM_001441026.1, NM_001441027.1 and 11 more transcripts); c.1714G>A, p.Ala572Thr (NM_001441038.1); short protein forms A217T, A572T, A596T, A653T.
Identifiers: ClinVar variation 5039321 (VCV005039321.1).